The following is an entry in ClinVar:

NM_170601.5(SIAE):c.1022G>A (p.Trp341Ter)

Gene: SIAE (sialic acid acetylesterase; minus strand). Cytogenetic location: 11q24.2.
Variant type: single nucleotide variant.
Coding change: c.1022G>A on transcript NM_170601.5 (MANE Select); coding-DNA position 1022, G replaced by A.
Protein change: p.Trp341Ter; replaces tryptophan 341 with a stop codon.
Molecular consequence: nonsense.
Genome position (GRCh38, 1-based): chr11:124,639,812, C>T on the plus strand (G>A on the coding strand, the complement: SIAE is on the minus strand). VCF-style: chr11-124639812-C-T. GRCh37 (hg19) VCF-style: chr11-124509708-C-T.
Other names: c.917G>A, p.Trp306Ter (NM_001199922.2); short protein forms W306*, W341*.
Identifiers: ClinVar variation 2902856 (VCV002902856.3), dbSNP rs139734968, ClinGen allele CA6341319.

ClinVar aggregate classification (germline): Uncertain significance (1 of 4 stars; one submission).

Allele frequency attached by ClinVar (database versions not stated): gnomAD exomes below 0.00001; TOPMed 0.00003; gnomAD 0.00004; ExAC 0.00002; ESP Exome Variant Server 0.00008.
gnomAD v4.1: 10 of 1,614,064 alleles (0.00062%); highest among the groups gnomAD compares: African/African-American, 0.011%; no homozygotes.

Submission:

Labcorp Genetics (formerly Invitae), Labcorp
Classification: Uncertain significance. Last evaluated: 2025-03-24. Review status: criteria provided, single submitter. Criteria: Invitae Variant Classification Sherloc (09022015). Collection method: clinical testing. Allele origin: germline.
Comment: This sequence change creates a premature translational stop signal (p.Trp341*) in the SIAE gene. It is expected to result in an absent or disrupted protein product. However, the current clinical and genetic evidence is not sufficient to establish whether loss-of-function variants in SIAE cause disease. This variant is present in population databases (rs139734968, gnomAD 0.02%). This variant has not been reported in the literature in individuals affected with SIAE-related conditions. ClinVar contains an entry for this variant (Variation ID: 2902856). Algorithms developed to predict the effect of sequence changes on RNA splicing suggest that this variant may disrupt the consensus splice site. In summary, the available evidence is currently insufficient to determine the role of this variant in disease. Therefore, it has been classified as a Variant of Uncertain Significance.